The following is an entry in ClinVar:

NM_018089.3(ANKZF1):c.1205-2A>G

Gene: ANKZF1 (ankyrin repeat and zinc finger peptidyl tRNA hydrolase 1; plus strand). Cytogenetic location: 2q35.
Variant type: single nucleotide variant.
Coding change: c.1205-2A>G on transcript NM_018089.3 (MANE Select); the canonical splice acceptor site of the intron before coding-DNA position 1205, A replaced by G.
Molecular consequence: splice acceptor variant.
Genome position (GRCh38, 1-based): chr2:219,234,824, A>G. VCF-style: chr2-219234824-A-G. GRCh37 (hg19) VCF-style: chr2-220099546-A-G.
Other names: c.1205-2A>G (NM_001042410.2); c.575-2A>G (NM_001282792.2).
Identifiers: ClinVar variation 1435023 (VCV001435023.8), dbSNP rs548641996, ClinGen allele CA2121015.

ClinVar aggregate classification (germline): Uncertain significance (1 of 4 stars; one submission).

Allele frequency attached by ClinVar (database versions not stated): gnomAD 0.00001 and 0.00004; TOPMed 0.00003; gnomAD exomes 0.00010 and 0.00016; ExAC 0.00024; 1000 Genomes Project 30x 0.00031; 1000 Genomes Project 0.00040.
gnomAD v4.1: 151 of 1,601,498 alleles (0.0094%); highest among the groups gnomAD compares: South Asian, 0.13%; no homozygotes.

Submission:

Labcorp Genetics (formerly Invitae), Labcorp
Classification: Uncertain significance. Last evaluated: 2025-11-11. Review status: criteria provided, single submitter. Criteria: Invitae Variant Classification Sherloc (09022015). Collection method: clinical testing. Allele origin: germline.
Comment: This sequence change affects an acceptor splice site in intron 9 of the ANKZF1 gene. It is expected to disrupt RNA splicing. Variants that disrupt the donor or acceptor splice site typically lead to a loss of protein function (PMID: 16199547), however the current clinical and genetic evidence is not sufficient to establish whether loss-of-function variants in ANKZF1 cause disease. This variant is present in population databases (rs548641996, gnomAD 0.1%), and has an allele count higher than expected for a pathogenic variant. This variant has not been reported in the literature in individuals affected with ANKZF1-related conditions. ClinVar contains an entry for this variant (Variation ID: 1435023). Algorithms developed to predict the effect of sequence changes on RNA splicing suggest that this variant may disrupt the consensus splice site. In summary, the available evidence is currently insufficient to determine the role of this variant in disease. Therefore, it has been classified as a Variant of Uncertain Significance.

Literature cited by the submitters: PubMed 16199547.